The following is an entry in ClinVar:

ClinVar aggregate classification (germline): Uncertain significance (1 of 4 stars; one submission).

gnomAD v4.1: 2 of 1,614,212 alleles (0.00012%); highest among the groups gnomAD compares: Non-Finnish European, 0.000085%; no homozygotes.

Submission:

Labcorp Genetics (formerly Invitae), Labcorp
Classification: Uncertain significance. Last evaluated: 2023-10-15. Review status: criteria provided, single submitter. Criteria: Invitae Variant Classification Sherloc (09022015). Collection method: clinical testing. Allele origin: germline.
Comment: This sequence change replaces aspartic acid, which is acidic and polar, with asparagine, which is neutral and polar, at codon 176 of the FAT2 protein (p.Asp176Asn). This variant is not present in population databases (gnomAD no frequency). This variant has not been reported in the literature in individuals affected with FAT2-related conditions. ClinVar contains an entry for this variant (Variation ID: 1915004). An algorithm developed to predict the effect of missense changes on protein structure and function (PolyPhen-2) suggests that this variant is likely to be disruptive. In summary, the available evidence is currently insufficient to determine the role of this variant in disease. Therefore, it has been classified as a Variant of Uncertain Significance.

NM_001447.3(FAT2):c.526G>A (p.Asp176Asn)

Gene: FAT2 (FAT atypical cadherin 2; minus strand). Cytogenetic location: 5q33.1.
Variant type: single nucleotide variant.
Coding change: c.526G>A on transcript NM_001447.3 (MANE Select); coding-DNA position 526, G replaced by A.
Protein change: p.Asp176Asn; replaces aspartic acid 176 with asparagine.
Molecular consequence: missense variant.
Genome position (GRCh38, 1-based): chr5:151,568,406, C>T on the plus strand (G>A on the coding strand, the complement: FAT2 is on the minus strand). VCF-style: chr5-151568406-C-T. GRCh37 (hg19) VCF-style: chr5-150947967-C-T.
Other names: short protein forms D176N.
Identifiers: ClinVar variation 1915004 (VCV001915004.5), dbSNP rs2480033870, ClinGen allele CA361816960.